The following is an entry in ClinVar:

NM_197968.4(ZMYM2):c.1969-8G>C

Gene: ZMYM2 (zinc finger MYM-type containing 2; plus strand). Cytogenetic location: 13q12.11.
Variant type: single nucleotide variant.
Coding change: c.1969-8G>C on transcript NM_197968.4 (MANE Select); 8 bases into the intron before coding-DNA position 1969, G replaced by C.
Molecular consequence: intron variant.
Genome position (GRCh38, 1-based): chr13:20,034,246, G>C. VCF-style: chr13-20034246-G-C. GRCh37 (hg19) VCF-style: chr13-20608386-G-C.
Other names: c.1708-8G>C (NM_001353163.2); c.1969-8G>C (NM_001353157.2, NM_001353164.2, NM_001353159.2 and 5 more transcripts); c.1774-8G>C (NM_001353161.3).
Identifiers: ClinVar variation 3768818 (VCV003768818.1).

ClinVar aggregate classification (germline): Uncertain significance (1 of 4 stars; one submission).

Submission:

Women's Health and Genetics/Laboratory Corporation of America, LabCorp
Classification: Uncertain significance. Last evaluated: 2025-02-03. Review status: criteria provided, single submitter. Criteria: LabCorp Variant Classification Summary - May 2015. Collection method: clinical testing. Allele origin: germline.
Comment: Variant summary: ZMYM2 c.1969-8G>C alters a conserved nucleotide located close to a canonical splice site and therefore could affect mRNA splicing, leading to a significantly altered protein sequence. Consensus agreement among computation tools predict no significant impact on normal splicing. However, these predictions have yet to be confirmed by functional studies. The variant was absent in 214886 control chromosomes. The available data on variant occurrences in the general population are insufficient to allow any conclusion about variant significance. To our knowledge, no occurrence of c.1969-8G>C in individuals affected with Neurodevelopmental-Craniofacial Syndrome With Variable Renal And Cardiac Abnormalities and no experimental evidence demonstrating its impact on protein function have been reported. No submitters have cited clinical-significance assessments for this variant to ClinVar. Based on the evidence outlined above, the variant was classified as uncertain significance.